The following is an entry in ClinVar:

NM_024666.5(AAGAB):c.451+3_451+6del

Gene: AAGAB (alpha and gamma adaptin binding protein; minus strand). Cytogenetic location: 15q23.
Variant type: Deletion.
Coding change: c.451+3_451+6del on transcript NM_024666.5 (MANE Select); bases 3 to 6 of the intron after coding-DNA position 451, 4 bases deleted (AAGT; older notation c.451+3_451+6delAAGT).
Molecular consequence: splice donor variant.
Genome position (GRCh38, 1-based): chr15:67,235,973-67,235,976, ACTT deleted on the plus strand (AAGT on the coding strand, the reverse complement: AAGAB is on the minus strand); deleting any 4 consecutive bases within chr15:67,235,973-67,235,978 gives the same sequence; the c. name uses the placement nearest the transcript's 3' end. VCF-style (leftmost placement, unchanged base first): chr15-67235972-CACTT-C. GRCh37 (hg19) VCF-style: chr15-67528310-CACTT-C.
Other names: NC_000015.9:g.67528313_67528316del; c.124+3_124+6del (NM_001271885.2, NM_001271886.2); c.451+1_451+4del (NM_024666.5).
Identifiers: ClinVar variation 2155138 (VCV002155138.6), dbSNP rs748785284, ClinGen allele CA7627112.

ClinVar aggregate classification (germline): Pathogenic. Review status: criteria provided, multiple submitters, no conflicts (2 of 4 stars). 2 submissions from 2 submitters: Pathogenic (2). Last evaluated 2025-02-07.

Conditions:
Palmoplantar keratoderma, punctate type 1A (PPKP1A). Also called: PALMOPLANTAR KERATODERMA, PUNCTATE TYPE IA. Identifiers: Orphanet 79501, MedGen CN031225, MONDO:0007858, OMIM 148600.

Submissions (3):

Labcorp Genetics (formerly Invitae), Labcorp
Classification: Pathogenic. Last evaluated: 2025-02-07. Review status: criteria provided, single submitter. Criteria: Invitae Variant Classification Sherloc (09022015). Collection method: clinical testing. Allele origin: germline.
Comment: This sequence change falls in intron 4 of the AAGAB gene. It does not directly change the encoded amino acid sequence of the AAGAB protein. It affects a nucleotide within the consensus splice site. This variant is present in population databases (rs748785284, gnomAD 0.003%). This variant has been observed in individuals with punctate palmoplantar keratoderma type I (PMID: 30451279, 31526046). ClinVar contains an entry for this variant (Variation ID: 2155138). Variants that disrupt the consensus splice site are a relatively common cause of aberrant splicing (PMID: 17576681, 9536098). Studies have shown that this variant is associated with inconclusive levels of altered splicing (PMID: 30451279). For these reasons, this variant has been classified as Pathogenic.

Fulgent Genetics
Classification: Pathogenic for Palmoplantar keratoderma, punctate type 1A. Last evaluated: 2024-02-21. Review status: criteria provided, single submitter. Criteria: ACMG Guidelines, 2015. Collection method: clinical testing. Allele origin: germline.

Dr. Peter K. Rogan Lab, Western University
No classification provided (evidence only). Condition: Colon adenocarcinoma. Review status: no classification provided. Collection method: in vitro. Allele origin: not applicable. Functional consequence: skipped exon. Not counted in ClinVar's aggregate classification.

Literature cited by the submitters: PubMed 30451279 (cited by Labcorp Genetics (formerly Invitae), Labcorp); PubMed 31526046 (cited by Labcorp Genetics (formerly Invitae), Labcorp); PubMed 17576681 (cited by Labcorp Genetics (formerly Invitae), Labcorp); PubMed 9536098 (cited by Labcorp Genetics (formerly Invitae), Labcorp).